The following is an entry in ClinVar:

ClinVar aggregate classification (germline): Uncertain significance. Review status: criteria provided, multiple submitters, no conflicts (2 of 4 stars). 3 submissions from 3 submitters: Uncertain significance (3). Last evaluated 2026-01-19.

Conditions:
Hereditary cancer-predisposing syndrome. Also called: Tumor predisposition; Neoplastic Syndromes, Hereditary; Hereditary Cancer Syndrome; Hereditary neoplastic syndrome. Identifiers: Orphanet 140162, MedGen C0027672, MeSH D009386, MONDO:0015356.

Allele frequency attached by ClinVar (database versions not stated): gnomAD exomes 0.00001 and 0.00002; ExAC 0.00002; gnomAD 0.00002 and 0.00003; TOPMed 0.00004.
gnomAD v4.1: 21 of 1,614,162 alleles (0.0013%); highest among the groups gnomAD compares: South Asian, 0.0044%; no homozygotes.

Submissions (3):

Labcorp Genetics (formerly Invitae), Labcorp
Classification: Uncertain significance. Last evaluated: 2026-01-19. Review status: criteria provided, single submitter. Criteria: Invitae Variant Classification Sherloc (09022015). Collection method: clinical testing. Allele origin: germline.
Comment: This sequence change replaces valine, which is neutral and non-polar, with isoleucine, which is neutral and non-polar, at codon 540 of the POLE protein (p.Val540Ile). This variant is present in population databases (rs770307281, gnomAD 0.02%). This variant has not been reported in the literature in individuals affected with POLE-related conditions. ClinVar contains an entry for this variant (Variation ID: 240399). Invitae Evidence Modeling of protein sequence and biophysical properties (such as structural, functional, and spatial information, amino acid conservation, physicochemical variation, residue mobility, and thermodynamic stability) indicates that this missense variant is not expected to disrupt POLE protein function with a negative predictive value of 80%. In summary, the available evidence is currently insufficient to determine the role of this variant in disease. Therefore, it has been classified as a Variant of Uncertain Significance.

Ambry Genetics
Classification: Uncertain significance for Hereditary cancer-predisposing syndrome. Last evaluated: 2025-08-20. Review status: criteria provided, single submitter. Criteria: Ambry Variant Classification Scheme 2023. Collection method: clinical testing. Allele origin: germline.
Comment: The p.V540I variant (also known as c.1618G>A), located in coding exon 15 of the POLE gene, results from a G to A substitution at nucleotide position 1618. The valine at codon 540 is replaced by isoleucine, an amino acid with highly similar properties. This amino acid position is highly conserved in available vertebrate species. In addition, this alteration is predicted to be tolerated by in silico analysis. Based on the available evidence, the clinical significance of this variant remains unclear.

GeneDx
Classification: Uncertain significance. Last evaluated: 2022-11-30. Review status: criteria provided, single submitter. Criteria: GeneDx Variant Classification Process June 2021. Collection method: clinical testing. Allele origin: germline. Affected: yes.
Comment: In silico analysis supports that this missense variant does not alter protein structure/function; Has not been previously published as pathogenic or benign to our knowledge; This variant is associated with the following publications: (PMID: 20951805)

NM_006231.4(POLE):c.1618G>A (p.Val540Ile)

Gene: POLE (DNA polymerase epsilon, catalytic subunit; minus strand). Cytogenetic location: 12q24.33.
Variant type: single nucleotide variant.
Coding change: c.1618G>A on transcript NM_006231.4 (MANE Select); coding-DNA position 1618, G replaced by A.
Protein change: p.Val540Ile; replaces valine 540 with isoleucine.
Molecular consequence: missense variant.
Genome position (GRCh38, 1-based): chr12:132,672,695, C>T on the plus strand (G>A on the coding strand, the complement: POLE is on the minus strand). VCF-style: chr12-132672695-C-T. GRCh37 (hg19) VCF-style: chr12-133249281-C-T.
Other names: short protein forms V540I.
Identifiers: ClinVar variation 240399 (VCV000240399.13), dbSNP rs770307281, ClinGen allele CA6893898.